The following is an entry in ClinVar:

NM_001005337.3(PKP1):c.1504-15G>T

Gene: PKP1 (plakophilin 1; plus strand). Cytogenetic location: 1q32.1.
Variant type: single nucleotide variant.
Coding change: c.1504-15G>T on transcript NM_001005337.3 (MANE Select); 15 bases into the intron before coding-DNA position 1504, G replaced by T.
Molecular consequence: intron variant.
Genome position (GRCh38, 1-based): chr1:201,322,998, G>T. VCF-style: chr1-201322998-G-T. GRCh37 (hg19) VCF-style: chr1-201292126-G-T.
Other names: c.1567-15G>T (NM_000299.4).
Identifiers: ClinVar variation 294823 (VCV000294823.13), dbSNP rs73074652, ClinGen allele CA1324533.

ClinVar aggregate classification (germline): Benign. Review status: criteria provided, multiple submitters, no conflicts (2 of 4 stars). 3 submissions from 3 submitters: Benign (3). Last evaluated 2026-01-27.

Conditions:
Epidermolysis bullosa simplex due to plakophilin deficiency. Also called: MCGRATH SYNDROME. Identifiers: Orphanet 158668, MedGen C1858302, MONDO:0011472, OMIM 604536.

Allele frequency attached by ClinVar (database versions not stated): ExAC 0.00238; TOPMed 0.00785; ESP Exome Variant Server 0.00884; 1000 Genomes Project 0.00938; 1000 Genomes Project 30x 0.00999.
gnomAD v4.1: 2,124 of 1,613,524 alleles (0.13%); highest among the groups gnomAD compares: African/African-American, 2.6%; 22 homozygotes.

Submissions (3):

Labcorp Genetics (formerly Invitae), Labcorp
Classification: Benign. Last evaluated: 2026-01-27. Review status: criteria provided, single submitter. Criteria: Invitae Variant Classification Sherloc (09022015). Collection method: clinical testing. Allele origin: germline.

Illumina Laboratory Services, Illumina
Classification: Benign for Epidermolysis bullosa simplex due to plakophilin deficiency. Last evaluated: 2018-01-12. Review status: criteria provided, single submitter. Criteria: ICSL Variant Classification Criteria 13 December 2019. Collection method: clinical testing. Allele origin: germline.
Comment: This variant was observed in the ICSL laboratory as part of a predisposition screen in an ostensibly healthy population. It had not been previously curated by ICSL or reported in the Human Gene Mutation Database (HGMD: prior to June 1st, 2018), and was therefore a candidate for classification through an automated scoring system. Utilizing variant allele frequency, disease prevalence and penetrance estimates, and inheritance mode, an automated score was calculated to assess if this variant is too frequent to cause the disease. Based on the score and internal cut-off values, a variant classified as benign is not then subjected to further curation. The score for this variant resulted in a classification of benign for this disease.

Breakthrough Genomics
Classification: Benign. Review status: criteria provided, single submitter. Criteria: ACMG Guidelines, 2015. Collection method: not provided. Allele origin: germline. Inheritance: Autosomal recessive inheritance. Affected: yes.